The following is an entry in ClinVar:

NM_005629.4(SLC6A8):c.114G>A (p.Val38=)

Gene: SLC6A8 (solute carrier family 6 member 8; plus strand). Cytogenetic location: Xq28.
Variant type: single nucleotide variant.
Coding change: c.114G>A on transcript NM_005629.4 (MANE Select); coding-DNA position 114, G replaced by A.
Protein change: p.Val38=; no amino-acid change (valine 38 retained).
Molecular consequence: synonymous variant.
Genome position (GRCh38, 1-based): chrX:153,688,688, G>A. VCF-style: chrX-153688688-G-A. GRCh37 (hg19) VCF-style: chrX-152954143-G-A.
Other names: c.114G>A, p.Val38= (NM_001142805.2).
Identifiers: ClinVar variation 1198298 (VCV001198298.4), dbSNP rs2148358489, ClinGen allele CA519344516.

ClinVar aggregate classification (germline): Likely benign. Review status: criteria provided, multiple submitters, no conflicts (2 of 4 stars). 2 submissions from 2 submitters: Likely benign (2). Last evaluated 2026-05-01.

Submissions (2):

CeGaT Center for Human Genetics Tuebingen
Classification: Likely benign. Last evaluated: 2026-05-01. Review status: criteria provided, single submitter. Criteria: CeGaT Center For Human Genetics Tuebingen Variant Classification Criteria Version 2. Collection method: clinical testing. Allele origin: germline. Affected: yes. Observed: 1 variant allele.
Comment: SLC6A8: PM2:Supporting, BP4, BP7

GeneDx
Classification: Likely benign. Last evaluated: 2019-09-16. Review status: criteria provided, single submitter. Criteria: GeneDx Variant Classification Process June 2021. Collection method: clinical testing. Allele origin: germline. Affected: yes.